The following is an entry in ClinVar:

NM_014822.4(SEC24D):c.2458T>A (p.Tyr820Asn)

Gene: SEC24D (SEC24 homolog D, COPII component; minus strand). Cytogenetic location: 4q26.
Variant type: single nucleotide variant.
Coding change: c.2458T>A on transcript NM_014822.4 (MANE Select); coding-DNA position 2458, T replaced by A.
Protein change: p.Tyr820Asn; replaces tyrosine 820 with asparagine.
Molecular consequence: missense variant.
Genome position (GRCh38, 1-based): chr4:118,738,299, A>T on the plus strand (T>A on the coding strand, the complement: SEC24D is on the minus strand). VCF-style: chr4-118738299-A-T. GRCh37 (hg19) VCF-style: chr4-119659454-A-T.
Other names: c.2461T>A, p.Tyr821Asn (NM_001318066.2); short protein forms Y820N, Y821N.
Identifiers: ClinVar variation 1948481 (VCV001948481.5), dbSNP rs1726065480, ClinGen allele CA358005725.

ClinVar aggregate classification (germline): Uncertain significance (1 of 4 stars; one submission).

gnomAD v4.1: 6 of 1,613,680 alleles (0.00037%); highest among the groups gnomAD compares: Non-Finnish European, 0.00051%; no homozygotes.

Submission:

Labcorp Genetics (formerly Invitae), Labcorp
Classification: Uncertain significance. Last evaluated: 2022-06-29. Review status: criteria provided, single submitter. Criteria: Invitae Variant Classification Sherloc (09022015). Collection method: clinical testing. Allele origin: germline.
Comment: Algorithms developed to predict the effect of missense changes on protein structure and function are either unavailable or do not agree on the potential impact of this missense change (SIFT: "Not Available"; PolyPhen-2: "Probably Damaging"; Align-GVGD: "Not Available"). This variant has not been reported in the literature in individuals affected with SEC24D-related conditions. This variant is not present in population databases (gnomAD no frequency). This sequence change replaces tyrosine, which is neutral and polar, with asparagine, which is neutral and polar, at codon 820 of the SEC24D protein (p.Tyr820Asn). In summary, the available evidence is currently insufficient to determine the role of this variant in disease. Therefore, it has been classified as a Variant of Uncertain Significance.